The following is an entry in ClinVar:

ClinVar aggregate classification (germline): Uncertain significance (1 of 4 stars; one submission).

Conditions:
Pityriasis rubra pilaris (PRP). Also called: Pityriasis rubra pilaris--familial type. Identifiers: Orphanet 2897, MedGen C0032027, MONDO:0100017, OMIM 173200, MONDO:0008251.
Psoriasis 2. Identifiers: MedGen C1864497, MONDO:0011269, OMIM 602723.

Submission:

Labcorp Genetics (formerly Invitae), Labcorp
Classification: Uncertain significance for Pityriasis rubra pilaris; Psoriasis 2. Last evaluated: 2022-06-08. Review status: criteria provided, single submitter. Criteria: Invitae Variant Classification Sherloc (09022015). Collection method: clinical testing. Allele origin: germline.
Comment: In summary, the available evidence is currently insufficient to determine the role of this variant in disease. Therefore, it has been classified as a Variant of Uncertain Significance. Algorithms developed to predict the effect of missense changes on protein structure and function output the following: SIFT: "Tolerated"; PolyPhen-2: "Benign"; Align-GVGD: "Class C0". The serine amino acid residue is found in multiple mammalian species, which suggests that this missense change does not adversely affect protein function. This variant has not been reported in the literature in individuals affected with CARD14-related conditions. This variant is not present in population databases (gnomAD no frequency). This sequence change replaces proline, which is neutral and non-polar, with serine, which is neutral and polar, at codon 611 of the CARD14 protein (p.Pro611Ser).

NM_001366385.1(CARD14):c.1831C>T (p.Pro611Ser)

Gene: CARD14 (caspase recruitment domain family member 14; plus strand). Cytogenetic location: 17q25.3.
Variant type: single nucleotide variant.
Coding change: c.1831C>T on transcript NM_001366385.1 (MANE Select); coding-DNA position 1831, C replaced by T.
Protein change: p.Pro611Ser; replaces proline 611 with serine.
Molecular consequence: missense variant. On other transcripts: non-coding transcript variant (1).
Genome position (GRCh38, 1-based): chr17:80,198,571, C>T. VCF-style: chr17-80198571-C-T. GRCh37 (hg19) VCF-style: chr17-78172370-C-T.
Other names: c.1831C>T, p.Pro611Ser (NM_001257970.1, NM_024110.4); c.1120C>T, p.Pro374Ser (NM_052819.3); short protein forms P374S, P611S.
Identifiers: ClinVar variation 1967941 (VCV001967941.5), dbSNP rs2510682632, ClinGen allele CA401351405.